The following is an entry in ClinVar:

NM_001267550.2(TTN):c.45499G>A (p.Val15167Ile)

Genes: TTN (titin; minus strand), LOC126806427 (BRD4-independent group 4 enhancer GRCh37_chr2:179485777-179486976; plus strand). Cytogenetic location: 2q31.2.
Variant type: single nucleotide variant.
Coding change: c.45499G>A on transcript NM_001267550.2 (MANE Select); coding-DNA position 45499, G replaced by A.
Protein change: p.Val15167Ile; replaces valine 15167 with isoleucine.
Molecular consequence: missense variant.
Genome position (GRCh38, 1-based): chr2:178,621,219, C>T on the plus strand (G>A on the coding strand, the complement: TTN is on the minus strand). VCF-style: chr2-178621219-C-T. GRCh37 (hg19) VCF-style: chr2-179485946-C-T.
Other names: p.V13526I:GTT>ATT; c.18304G>A, p.Val6102Ile (NM_003319.4); c.18679G>A, p.Val6227Ile (NM_133432.3); c.18880G>A, p.Val6294Ile (NM_133437.4); c.40576G>A, p.Val13526Ile (NM_001256850.1); c.37795G>A, p.Val12599Ile (NM_133378.4); c.45499G>A (NM_001267550.1); short protein forms V15167I, V12599I, V13526I, V6102I, V6227I, V6294I.
Identifiers: ClinVar variation 46989 (VCV000046989.35), dbSNP rs183245562, ClinGen allele CA139704.
Genomic context (GRCh38, chr2:178,621,219, plus strand): 5'-CCATATCTTGTAATGTGGCATCTTTCACAACTAGGACCCTCTTTTTACCATCAGCAATAA[C>T]GTCATATTTATCTCCAGATTCAAGTGTCTTATCATCCCTCTTCCACTGGACTGGAAAGCT-3'
Protein context (NP_001254479.2, residues 15157-15177): KTLESGDKYD[Val15167Ile]IADGKKRVLV

ClinVar aggregate classification (germline): Conflicting classifications of pathogenicity. Review status: criteria provided, conflicting classifications (1 of 4 stars). 13 submissions from 13 submitters: Uncertain significance (1); Benign (3); Likely benign (5). 4 of the submissions do not count toward it. Last evaluated 2026-02-03.

Conditions:
TTN-related disorder. Also called: TTN-related disorders; TTN-related condition; TTN-related disease.
Cardiovascular phenotype. Identifiers: MedGen CN230736.
Autosomal recessive limb-girdle muscular dystrophy type 2J (LGMDR10). Also called: Limb-girdle muscular dystrophy, type 2J; MUSCULAR DYSTROPHY, LIMB-GIRDLE, AUTOSOMAL RECESSIVE 10. Identifiers: Orphanet 140922, MedGen C1837342, MONDO:0012127, OMIM 608807.
Dilated cardiomyopathy 1G (CMD1G). Identifiers: Orphanet 154, MedGen C1858763, MONDO:0011400, OMIM 604145.
Cardiomyopathy (CMYO). Also called: Cardiomyopathies. Identifiers: Orphanet 167848, MedGen C0878544, MONDO:0004994, HP:0001638. Inheritance: Various modes of inheritance.

Allele frequency attached by ClinVar (database versions not stated): gnomAD 0.00093 and 0.00081; 1000 Genomes Project 0.00040; ESP Exome Variant Server 0.00075; TOPMed 0.00085; ExAC 0.00022; 1000 Genomes Project 30x 0.00031; gnomAD exomes 0.00019.
gnomAD v4.1: 248 of 1,612,320 alleles (0.015%); highest among the groups gnomAD compares: African/African-American, 0.27%; no homozygotes.

Submissions (13):

Labcorp Genetics (formerly Invitae), Labcorp
Classification: Likely benign for Dilated cardiomyopathy 1G; Autosomal recessive limb-girdle muscular dystrophy type 2J. Last evaluated: 2026-02-03. Review status: criteria provided, single submitter. Criteria: Invitae Variant Classification Sherloc (09022015). Collection method: clinical testing. Allele origin: germline.

Blueprint Genetics
Classification: Likely benign. Last evaluated: 2024-11-13. Review status: criteria provided, single submitter. Criteria: ACMG Guidelines, 2015. Collection method: clinical testing. Allele origin: germline.

Women's Health and Genetics/Laboratory Corporation of America, LabCorp
Classification: Benign. Last evaluated: 2021-11-29. Review status: criteria provided, single submitter. Criteria: LabCorp Variant Classification Summary - May 2015. Collection method: clinical testing. Allele origin: germline.
Comment: Variant summary: TTN c.37795G>A (p.Val12599Ile) results in a conservative amino acid change located in the I-band region of the encoded protein sequence. Five of five in-silico tools predict a benign effect of the variant on protein function. The variant allele was found at a frequency of 0.0008 in 150630 control chromosomes, predominantly at a frequency of 0.0029 within the African or African-American subpopulation in the gnomAD database (v3.1 genomes dataset). The observed variant frequency within African or African-American control individuals in the gnomAD database is approximately 7-fold of the estimated maximal expected allele frequency for a pathogenic variant in TTN causing Dilated Cardiomyopathy phenotype (0.00039), strongly suggesting that the variant is a benign polymorphism found primarily in populations of African or African-American origin. To our knowledge, no occurrence of c.37795G>A in individuals affected with Dilated Cardiomyopathy and no experimental evidence demonstrating its impact on protein function have been reported. Four clinical diagnostic laboratories have submitted clinical-significance assessments for this variant to ClinVar after 2014 without evidence for independent evaluation, and reported the variant as VUS (n=1), likely benign (n=2) / benign (n=1). Based on the evidence outlined above, the variant was classified as benign.

CHEO Genetics Diagnostic Laboratory, Children's Hospital of Eastern Ontario
Classification: Benign for Cardiomyopathy. Last evaluated: 2021-08-09. Review status: criteria provided, single submitter. Criteria: ACMG Guidelines, 2015. Collection method: clinical testing. Allele origin: germline.

Athena Diagnostics
Classification: Benign. Last evaluated: 2021-01-05. Review status: criteria provided, single submitter. Criteria: Athena Diagnostics criteria. Collection method: clinical testing. Allele origin: unknown.

GeneDx
Classification: Likely benign. Last evaluated: 2020-06-10. Review status: criteria provided, single submitter. Criteria: GeneDx Variant Classification (06012015). Collection method: clinical testing. Allele origin: germline. Affected: yes.

Ambry Genetics
Classification: Likely benign for Cardiovascular phenotype. Last evaluated: 2019-06-26. Review status: criteria provided, single submitter. Criteria: Ambry Variant Classification Scheme 2023. Collection method: clinical testing. Allele origin: germline.

Eurofins Ntd Llc (ga)
Classification: Uncertain significance. Last evaluated: 2015-11-12. Review status: criteria provided, single submitter. Criteria: EGL Classification Definitions 2015. Collection method: clinical testing. Allele origin: germline. Observed: 1 variant allele, 1 heterozygote.

Laboratory for Molecular Medicine, Mass General Brigham Personalized Medicine
Classification: Likely benign. Last evaluated: 2013-02-25. Review status: criteria provided, single submitter. Criteria: LMM Criteria. Collection method: clinical testing. Allele origin: germline. Observed: 4 variant alleles.
Comment: p.Val12599Ile in exon 195 of TTN: This variant is not expected to have clinical significance due to a lack of conservation across species. Multiple mammals hav e an isoleucine (Ile; this variant) at this position, despite high nearby amino acid conservation. Computational analyses (AlignGVGD, PolyPhen2, SIFT) do not su ggest a high likelihood of impact to the protein. This variant has also been ide ntified in 0.2% (8/3600) of African American chromosomes from a broad population by the NHLBI Exome Sequencing Project (dbSNP rs183245562).

PreventionGenetics, part of Exact Sciences
Classification: Likely benign for TTN-related condition. Last evaluated: 2023-06-27. Review status: no assertion criteria provided. Collection method: clinical testing. Allele origin: germline. Not counted in ClinVar's aggregate classification.
Comment: This variant is classified as likely benign based on ACMG/AMP sequence variant interpretation guidelines (Richards et al. 2015 PMID: 25741868, with internal and published modifications).

Clinical Genetics DNA and cytogenetics Diagnostics Lab, Erasmus MC, Erasmus Medical Center
Classification: Likely benign. Review status: no assertion criteria provided. Collection method: clinical testing. Allele origin: germline. Affected: yes. Study: VKGL Data-share Consensus. Not counted in ClinVar's aggregate classification.

Clinical Genetics, Academic Medical Center
Classification: Benign. Review status: no assertion criteria provided. Collection method: clinical testing. Allele origin: germline. Affected: yes. Study: VKGL Data-share Consensus. Not counted in ClinVar's aggregate classification.

Joint Genome Diagnostic Labs from Nijmegen and Maastricht, Radboudumc and MUMC+
Classification: Benign. Review status: no assertion criteria provided. Collection method: clinical testing. Allele origin: germline. Affected: yes. Study: VKGL Data-share Consensus. Not counted in ClinVar's aggregate classification.